The following is an entry in ClinVar:

ClinVar aggregate classification (germline): Uncertain significance (1 of 4 stars; one submission).

Conditions:
Hereditary cancer-predisposing syndrome. Also called: Hereditary Cancer Syndrome; Hereditary neoplastic syndrome; Tumor predisposition; Neoplastic Syndromes, Hereditary. Identifiers: Orphanet 140162, MedGen C0027672, MeSH D009386, MONDO:0015356.

Submission:

Ambry Genetics
Classification: Uncertain significance for Hereditary cancer-predisposing syndrome. Last evaluated: 2024-12-18. Review status: criteria provided, single submitter. Criteria: Ambry Variant Classification Scheme 2023. Collection method: clinical testing. Allele origin: germline.
Comment: The p.F803Y variant (also known as c.2408T>A), located in coding exon 15 of the ATM gene, results from a T to A substitution at nucleotide position 2408. The phenylalanine at codon 803 is replaced by tyrosine, an amino acid with highly similar properties. This amino acid position is highly conserved in available vertebrate species. In addition, the in silico prediction for this alteration is inconclusive. Based on the available evidence, the clinical significance of this variant remains unclear.

NM_000051.4(ATM):c.2408T>A (p.Phe803Tyr)

Gene: ATM (ATM serine/threonine kinase; plus strand). Cytogenetic location: 11q22.3.
Variant type: single nucleotide variant.
Coding change: c.2408T>A on transcript NM_000051.4 (MANE Select); coding-DNA position 2408, T replaced by A.
Protein change: p.Phe803Tyr; replaces phenylalanine 803 with tyrosine.
Molecular consequence: missense variant.
Genome position (GRCh38, 1-based): chr11:108,259,017, T>A. VCF-style: chr11-108259017-T-A. GRCh37 (hg19) VCF-style: chr11-108129744-T-A.
Other names: c.2408T>A, p.Phe803Tyr (NM_001351834.2); short protein forms F803Y.
Identifiers: ClinVar variation 1790833 (VCV001790833.3), dbSNP rs751218526, ClinGen allele CA382541176.